The following is an entry in ClinVar:

NM_006254.4(PRKCD):c.1081G>A (p.Gly361Arg)

Gene: PRKCD (protein kinase C delta; plus strand). Cytogenetic location: 3p21.1.
Variant type: single nucleotide variant.
Coding change: c.1081G>A on transcript NM_006254.4 (MANE Select); coding-DNA position 1081, G replaced by A.
Protein change: p.Gly361Arg; replaces glycine 361 with arginine.
Molecular consequence: missense variant.
Genome position (GRCh38, 1-based): chr3:53,186,022, G>A. VCF-style: chr3-53186022-G-A. GRCh37 (hg19) VCF-style: chr3-53220038-G-A.
Other names: c.1081G>A, p.Gly361Arg (LRG_1327t1, NM_001316327.2, NM_001354679.2 and 2 more transcripts); c.1138G>A, p.Gly380Arg (NM_001354676.2); c.1129G>A, p.Gly377Arg (NM_001354678.2); short protein forms G361R, G380R, G377R.
Identifiers: ClinVar variation 541624 (VCV000541624.7), dbSNP rs369078144, ClinGen allele CA2452079.
Genomic context (GRCh38, chr3:53,186,022, plus strand): 5'-AGCAGCAAGTGCAACATCAACAACTTCATCTTCCACAAGGTCCTGGGCAAAGGCAGCTTC[G>A]GGAAGGTGAGGGCTGTGAGCCGGGCACCTGCTTCCCACCCCACCCTGGCTTCTTCCCGCT-3'
Protein context (NP_006245.2, residues 351-371): FHKVLGKGSF[Gly361Arg]KVLLGELKGR

ClinVar aggregate classification (germline): Uncertain significance. Review status: criteria provided, multiple submitters, no conflicts (2 of 4 stars). 2 submissions from 2 submitters: Uncertain significance (2). Last evaluated 2019-05-27.

Conditions:
Autoimmune lymphoproliferative syndrome, type III caused by mutation in PRKCD. Identifiers: Orphanet 3261, Orphanet 664711, MedGen C3809928, MONDO:8000024, OMIM 615559.

Allele frequency attached by ClinVar (database versions not stated): gnomAD exomes below 0.00001; ExAC 0.00001; ESP Exome Variant Server 0.00008.
gnomAD v4.1: 3 of 1,614,160 alleles (0.00019%); highest among the groups gnomAD compares: Non-Finnish European, 0.00025%; no homozygotes.

Submissions (2):

Blueprint Genetics
Classification: Uncertain significance. Last evaluated: 2019-05-27. Review status: criteria provided, single submitter. Criteria: ACMG Guidelines, 2015. Collection method: clinical testing. Allele origin: germline.

Labcorp Genetics (formerly Invitae), Labcorp
Classification: Uncertain significance for Autoimmune lymphoproliferative syndrome, type III caused by mutation in PRKCD. Last evaluated: 2018-11-03. Review status: criteria provided, single submitter. Criteria: Invitae Variant Classification Sherloc (09022015). Collection method: clinical testing. Allele origin: germline.
Comment: In summary, the available evidence is currently insufficient to determine the role of this variant in disease. Therefore, it has been classified as a Variant of Uncertain Significance. Algorithms developed to predict the effect of missense changes on protein structure and function (SIFT, PolyPhen-2, Align-GVGD) all suggest that this variant is likely to be disruptive, but these predictions have not been confirmed by published functional studies and their clinical significance is uncertain. This variant has not been reported in the literature in individuals with PRKCD-related disease. This variant is present in population databases (rs369078144, ExAC 0.002%). This sequence change replaces glycine with arginine at codon 361 of the PRKCD protein (p.Gly361Arg). The glycine residue is highly conserved and there is a moderate physicochemical difference between glycine and arginine.